The following is an entry in ClinVar:

ClinVar aggregate classification (germline): Uncertain significance (1 of 4 stars; one submission).

Conditions:
Werner syndrome (WRN). Identifiers: Orphanet 902, MedGen C0043119, MONDO:0010196, OMIM 277700.

Submission:

Labcorp Genetics (formerly Invitae), Labcorp
Classification: Uncertain significance for Werner syndrome. Last evaluated: 2020-08-19. Review status: criteria provided, single submitter. Criteria: Invitae Variant Classification Sherloc (09022015). Collection method: clinical testing. Allele origin: germline.
Comment: This sequence change replaces serine with glycine at codon 1432 of the WRN protein (p.Ser1432Gly). The serine residue is moderately conserved and there is a small physicochemical difference between serine and glycine. This variant is not present in population databases (ExAC no frequency). This variant has not been reported in the literature in individuals with WRN-related conditions. Algorithms developed to predict the effect of missense changes on protein structure and function are either unavailable or do not agree on the potential impact of this missense change (SIFT: Not Available; PolyPhen-2: Possibly Damaging; Align-GVGD: Not Available). In summary, the available evidence is currently insufficient to determine the role of this variant in disease. Therefore, it has been classified as a Variant of Uncertain Significance.

NM_000553.6(WRN):c.4294A>G (p.Ser1432Gly)

Genes: WRN (WRN RecQ like helicase; plus strand), LOC126860342 (MED14-independent group 3 enhancer GRCh37_chr8:31029565-31030764; plus strand). Cytogenetic location: 8p12.
Variant type: single nucleotide variant.
Coding change: c.4294A>G on transcript NM_000553.6 (MANE Select); coding-DNA position 4294, A replaced by G.
Protein change: p.Ser1432Gly; replaces serine 1432 with glycine.
Molecular consequence: missense variant.
Genome position (GRCh38, 1-based): chr8:31,173,097, A>G. VCF-style: chr8-31173097-A-G. GRCh37 (hg19) VCF-style: chr8-31030613-A-G.
Other names: short protein forms S1432G.
Identifiers: ClinVar variation 1004672 (VCV001004672.1), dbSNP rs1804165240, ClinGen allele CA370911946.